The following is an entry in ClinVar:

NM_014874.4(MFN2):c.1763C>T (p.Pro588Leu)

Gene: MFN2 (mitofusin 2; plus strand). Cytogenetic location: 1p36.22.
Variant type: single nucleotide variant.
Coding change: c.1763C>T on transcript NM_014874.4 (MANE Select); coding-DNA position 1763, C replaced by T.
Protein change: p.Pro588Leu; replaces proline 588 with leucine.
Molecular consequence: missense variant.
Genome position (GRCh38, 1-based): chr1:12,006,584, C>T. VCF-style: chr1-12006584-C-T. GRCh37 (hg19) VCF-style: chr1-12066641-C-T.
Other names: c.1763C>T, p.Pro588Leu (NM_001127660.2); short protein forms P588L.
Identifiers: ClinVar variation 970474 (VCV000970474.9), dbSNP rs1639428648, ClinGen allele CA338448546.

ClinVar aggregate classification (germline): Uncertain significance (1 of 4 stars; one submission).

Conditions:
Charcot-Marie-Tooth disease type 2. Also called: Charcot-Marie-Tooth type 2. Identifiers: Orphanet 64746, MedGen C0270914, MONDO:0018993.

Submission:

Labcorp Genetics (formerly Invitae), Labcorp
Classification: Uncertain significance for Charcot-Marie-Tooth disease type 2. Last evaluated: 2023-04-26. Review status: criteria provided, single submitter. Criteria: Invitae Variant Classification Sherloc (09022015). Collection method: clinical testing. Allele origin: germline.
Comment: This sequence change replaces proline, which is neutral and non-polar, with leucine, which is neutral and non-polar, at codon 588 of the MFN2 protein (p.Pro588Leu). In summary, the available evidence is currently insufficient to determine the role of this variant in disease. Therefore, it has been classified as a Variant of Uncertain Significance. Advanced modeling of protein sequence and biophysical properties (such as structural, functional, and spatial information, amino acid conservation, physicochemical variation, residue mobility, and thermodynamic stability) performed at Invitae indicates that this missense variant is not expected to disrupt MFN2 protein function. ClinVar contains an entry for this variant (Variation ID: 970474). This variant has not been reported in the literature in individuals affected with MFN2-related conditions. This variant is not present in population databases (gnomAD no frequency).